The following is an entry in ClinVar:

ClinVar aggregate classification (germline): Benign. Review status: criteria provided, multiple submitters, no conflicts (2 of 4 stars). 5 submissions from 5 submitters: Benign (5). Last evaluated 2026-01-20.

Conditions:
Congenital afibrinogenemia. Identifiers: Orphanet 335, Orphanet 98880, MedGen C2584774, MONDO:0008737, OMIM 202400.

Allele frequency attached by ClinVar (database versions not stated): gnomAD exomes 0.00521; ExAC 0.00624; gnomAD 0.02007 and 0.02166; 1000 Genomes Project 0.02296; ESP Exome Variant Server 0.02299; TOPMed 0.02305; 1000 Genomes Project 30x 0.02420.
gnomAD v4.1: 6,118 of 1,614,090 alleles (0.38%); highest among the groups gnomAD compares: African/African-American, 6.9%; 180 homozygotes.

Submissions (5):

Labcorp Genetics (formerly Invitae), Labcorp
Classification: Benign. Last evaluated: 2026-01-20. Review status: criteria provided, single submitter. Criteria: Invitae Variant Classification Sherloc (09022015). Collection method: clinical testing. Allele origin: germline.

Mayo Clinic Laboratories, Mayo Clinic
Classification: Benign. Last evaluated: 2021-12-20. Review status: criteria provided, single submitter. Criteria: ACMG Guidelines, 2015. Collection method: clinical testing. Allele origin: germline. Observed: 6 variant alleles.
Comment: BS1, BP4, BP7

Illumina Laboratory Services, Illumina
Classification: Benign for Congenital afibrinogenemia. Last evaluated: 2018-01-13. Review status: criteria provided, single submitter. Criteria: ICSL Variant Classification Criteria 13 December 2019. Collection method: clinical testing. Allele origin: germline.
Comment: This variant was observed in the ICSL laboratory as part of a predisposition screen in an ostensibly healthy population. It had not been previously curated by ICSL or reported in the Human Gene Mutation Database (HGMD: prior to June 1st, 2018), and was therefore a candidate for classification through an automated scoring system. Utilizing variant allele frequency, disease prevalence and penetrance estimates, and inheritance mode, an automated score was calculated to assess if this variant is too frequent to cause the disease. Based on the score and internal cut-off values, a variant classified as benign is not then subjected to further curation. The score for this variant resulted in a classification of benign for this disease.

Breakthrough Genomics
Classification: Benign. Review status: criteria provided, single submitter. Criteria: ACMG Guidelines, 2015. Collection method: not provided. Allele origin: germline. Inheritance: Autosomal recessive inheritance. Affected: yes.

PreventionGenetics, part of Exact Sciences
Classification: Benign. Review status: criteria provided, single submitter. Criteria: ACMG Guidelines, 2015. Collection method: clinical testing. Allele origin: germline.

NM_005141.5(FGB):c.843G>T (p.Val281=)

Gene: FGB (fibrinogen beta chain; plus strand). Cytogenetic location: 4q31.3.
Variant type: single nucleotide variant.
Coding change: c.843G>T on transcript NM_005141.5 (MANE Select); coding-DNA position 843, G replaced by T.
Protein change: p.Val281=; no amino-acid change (valine 281 retained).
Molecular consequence: synonymous variant. On other transcripts: intron variant (1).
Genome position (GRCh38, 1-based): chr4:154,569,192, G>T. VCF-style: chr4-154569192-G-T. GRCh37 (hg19) VCF-style: chr4-155490344-G-T.
Other names: p.Val281=; c.666G>T, p.Val222= (NM_001184741.1); c.711G>T, p.Val237= (NM_001382759.1); c.843G>T, p.Val281= (NM_001382760.1, NM_001382761.1, NM_001382764.1 and 1 more transcripts); c.834G>T, p.Val278= (NM_001382763.1); c.746-409G>T (NM_001382762.1).
Identifiers: ClinVar variation 259649 (VCV000259649.16), dbSNP rs6058, ClinGen allele CA3114652.